The following is an entry in ClinVar:

NM_014956.5(CEP164):c.1266C>G (p.His422Gln)

Gene: CEP164 (centrosomal protein 164; plus strand). Cytogenetic location: 11q23.3.
Variant type: single nucleotide variant.
Coding change: c.1266C>G on transcript NM_014956.5 (MANE Select); coding-DNA position 1266, C replaced by G.
Protein change: p.His422Gln; replaces histidine 422 with glutamine.
Molecular consequence: missense variant.
Genome position (GRCh38, 1-based): chr11:117,375,740, C>G. VCF-style: chr11-117375740-C-G. GRCh37 (hg19) VCF-style: chr11-117246456-C-G.
Other names: c.1266C>G, p.His422Gln (NM_001271933.2); short protein forms H422Q.
Identifiers: ClinVar variation 2015573 (VCV002015573.4), dbSNP rs1249933204, ClinGen allele CA382740172.

ClinVar aggregate classification (germline): Uncertain significance (1 of 4 stars; one submission).

Conditions:
Nephronophthisis 15 (NPHP15). Identifiers: Orphanet 3156, MedGen C3541853, MONDO:0013917, OMIM 614845.

Submission:

Labcorp Genetics (formerly Invitae), Labcorp
Classification: Uncertain significance for Nephronophthisis 15. Last evaluated: 2022-07-09. Review status: criteria provided, single submitter. Criteria: Invitae Variant Classification Sherloc (09022015). Collection method: clinical testing. Allele origin: germline.
Comment: This variant is not present in population databases (gnomAD no frequency). This sequence change replaces histidine, which is basic and polar, with glutamine, which is neutral and polar, at codon 422 of the CEP164 protein (p.His422Gln). This variant has not been reported in the literature in individuals affected with CEP164-related conditions. In summary, the available evidence is currently insufficient to determine the role of this variant in disease. Therefore, it has been classified as a Variant of Uncertain Significance. Algorithms developed to predict the effect of missense changes on protein structure and function output the following: SIFT: "Tolerated"; PolyPhen-2: "Benign"; Align-GVGD: "Class C0". The glutamine amino acid residue is found in multiple mammalian species, which suggests that this missense change does not adversely affect protein function.